The following is an entry in ClinVar:

ClinVar aggregate classification (germline): Uncertain significance (1 of 4 stars; one submission).

Submission:

Labcorp Genetics (formerly Invitae), Labcorp
Classification: Uncertain significance. Last evaluated: 2023-02-27. Review status: criteria provided, single submitter. Criteria: Invitae Variant Classification Sherloc (09022015). Collection method: clinical testing. Allele origin: germline.
Comment: ClinVar contains an entry for this variant (Variation ID: 2024478). In summary, the available evidence is currently insufficient to determine the role of this variant in disease. Therefore, it has been classified as a Variant of Uncertain Significance. Advanced modeling of protein sequence and biophysical properties (such as structural, functional, and spatial information, amino acid conservation, physicochemical variation, residue mobility, and thermodynamic stability) performed at Invitae indicates that this missense variant is not expected to disrupt SLC12A2 protein function. This variant has not been reported in the literature in individuals affected with SLC12A2-related conditions. This variant is not present in population databases (gnomAD no frequency). This sequence change replaces lysine, which is basic and polar, with glutamic acid, which is acidic and polar, at codon 841 of the SLC12A2 protein (p.Lys841Glu).

NM_001046.3(SLC12A2):c.2521A>G (p.Lys841Glu)

Gene: SLC12A2 (solute carrier family 12 member 2; plus strand). Cytogenetic location: 5q23.3.
Variant type: single nucleotide variant.
Coding change: c.2521A>G on transcript NM_001046.3 (MANE Select); coding-DNA position 2521, A replaced by G.
Protein change: p.Lys841Glu; replaces lysine 841 with glutamic acid.
Molecular consequence: missense variant. On other transcripts: non-coding transcript variant (1).
Genome position (GRCh38, 1-based): chr5:128,161,705, A>G. VCF-style: chr5-128161705-A-G. GRCh37 (hg19) VCF-style: chr5-127497397-A-G.
Other names: c.2521A>G, p.Lys841Glu (NM_001256461.2); short protein forms K841E.
Identifiers: ClinVar variation 2024478 (VCV002024478.4), dbSNP rs2479439915, ClinGen allele CA360751342.